The following is an entry in ClinVar:

ClinVar aggregate classification (germline): Uncertain significance (1 of 4 stars; one submission).

Conditions:
DNA ligase IV deficiency. Identifiers: Orphanet 99812, MedGen C1847827, MONDO:0011686, OMIM 606593.

Allele frequency attached by ClinVar (database versions not stated): gnomAD exomes below 0.00001; TOPMed below 0.00001.
gnomAD v4.1: 2 of 1,613,912 alleles (0.00012%); highest among the groups gnomAD compares: East Asian, 0.0022%; no homozygotes.

Submission:

Labcorp Genetics (formerly Invitae), Labcorp
Classification: Uncertain significance for DNA ligase IV deficiency. Last evaluated: 2022-03-13. Review status: criteria provided, single submitter. Criteria: Invitae Variant Classification Sherloc (09022015). Collection method: clinical testing. Allele origin: germline.
Comment: This sequence change replaces proline, which is neutral and non-polar, with arginine, which is basic and polar, at codon 623 of the LIG4 protein (p.Pro623Arg). This variant is not present in population databases (gnomAD no frequency). This variant has not been reported in the literature in individuals affected with LIG4-related conditions. ClinVar contains an entry for this variant (Variation ID: 646448). Algorithms developed to predict the effect of missense changes on protein structure and function (SIFT, PolyPhen-2, Align-GVGD) all suggest that this variant is likely to be tolerated. In summary, the available evidence is currently insufficient to determine the role of this variant in disease. Therefore, it has been classified as a Variant of Uncertain Significance.

NM_206937.2(LIG4):c.1868C>G (p.Pro623Arg)

Gene: LIG4 (DNA ligase 4; minus strand). Cytogenetic location: 13q33.3.
Variant type: single nucleotide variant.
Coding change: c.1868C>G on transcript NM_206937.2 (MANE Select); coding-DNA position 1868, C replaced by G.
Protein change: p.Pro623Arg; replaces proline 623 with arginine.
Molecular consequence: missense variant.
Genome position (GRCh38, 1-based): chr13:108,209,401, G>C on the plus strand (C>G on the coding strand, the complement: LIG4 is on the minus strand). VCF-style: chr13-108209401-G-C. GRCh37 (hg19) VCF-style: chr13-108861749-G-C.
Other names: c.1868C>G, p.Pro623Arg (NM_001098268.2, NM_001352598.2, NM_001352599.2 and 6 more transcripts); c.1667C>G, p.Pro556Arg (NM_001330595.2); c.1904C>G, p.Pro635Arg (NM_001352604.2); short protein forms P623R, P635R, P556R.
Identifiers: ClinVar variation 646448 (VCV000646448.6), dbSNP rs1412566515, ClinGen allele CA388615627.